The following is an entry in ClinVar:

NM_003924.4(PHOX2B):c.236C>T (p.Ala79Val)

Genes: PHOX2B-AS1 (PHOX2B antisense RNA 1; plus strand), PHOX2B (paired like homeobox 2B; minus strand). Cytogenetic location: 4p13.
Variant type: single nucleotide variant.
Coding change: c.236C>T on transcript NM_003924.4 (MANE Select); coding-DNA position 236, C replaced by T.
Protein change: p.Ala79Val; replaces alanine 79 with valine.
Molecular consequence: missense variant. On other transcripts: non-coding transcript variant (1).
Genome position (GRCh38, 1-based): chr4:41,748,375, G>A on the plus strand (C>T on the coding strand, the complement: PHOX2B is on the minus strand). VCF-style: chr4-41748375-G-A. GRCh37 (hg19) VCF-style: chr4-41750392-G-A.
Other names: short protein forms A79V.
Identifiers: ClinVar variation 2625342 (VCV002625342.2), dbSNP rs2552097157, ClinGen allele CA356740753.

ClinVar aggregate classification (germline): Uncertain significance (1 of 4 stars; one submission).

Conditions:
Hereditary cancer-predisposing syndrome. Also called: Tumor predisposition; Hereditary Cancer Syndrome; Hereditary neoplastic syndrome; Neoplastic Syndromes, Hereditary. Identifiers: Orphanet 140162, MedGen C0027672, MeSH D009386, MONDO:0015356.

Submission:

Ambry Genetics
Classification: Uncertain significance for Hereditary cancer-predisposing syndrome. Last evaluated: 2023-06-24. Review status: criteria provided, single submitter. Criteria: Ambry Variant Classification Scheme 2023. Collection method: clinical testing. Allele origin: germline.
Comment: The p.A79V variant (also known as c.236C>T), located in coding exon 1 of the PHOX2B gene, results from a C to T substitution at nucleotide position 236. The alanine at codon 79 is replaced by valine, an amino acid with similar properties. This amino acid position is conserved. In addition, the in silico prediction for this alteration is inconclusive. Since supporting evidence is limited at this time, the clinical significance of this alteration remains unclear.